The following is an entry in ClinVar:

ClinVar aggregate classification (germline): Uncertain significance (1 of 4 stars; one submission).

Submission:

Labcorp Genetics (formerly Invitae), Labcorp
Classification: Uncertain significance. Last evaluated: 2024-10-10. Review status: criteria provided, single submitter. Criteria: Invitae Variant Classification Sherloc (09022015). Collection method: clinical testing. Allele origin: germline.
Comment: This sequence change affects codon 1373 of the COL7A1 mRNA. It is a 'silent' change, meaning that it does not change the encoded amino acid sequence of the COL7A1 protein. This variant also falls at the last nucleotide of exon 35, which is part of the consensus splice site for this exon. This variant is not present in population databases (gnomAD no frequency). This variant has not been reported in the literature in individuals affected with COL7A1-related conditions. Variants that disrupt the consensus splice site are a relatively common cause of aberrant splicing (PMID: 17576681, 9536098). Algorithms developed to predict the effect of sequence changes on RNA splicing suggest that this variant may create or strengthen a splice site. In summary, the available evidence is currently insufficient to determine the role of this variant in disease. Therefore, it has been classified as a Variant of Uncertain Significance.

Literature cited by the submitters: PubMed 17576681; PubMed 9536098.

NM_000094.4(COL7A1):c.4119G>T (p.Ser1373=)

Gene: COL7A1 (collagen type VII alpha 1 chain; minus strand). Cytogenetic location: 3p21.31.
Variant type: single nucleotide variant.
Coding change: c.4119G>T on transcript NM_000094.4 (MANE Select); coding-DNA position 4119, G replaced by T.
Protein change: p.Ser1373=; no amino-acid change (serine 1373 retained).
Molecular consequence: synonymous variant.
Genome position (GRCh38, 1-based): chr3:48,584,485, C>A on the plus strand (G>T on the coding strand, the complement: COL7A1 is on the minus strand). VCF-style: chr3-48584485-C-A. GRCh37 (hg19) VCF-style: chr3-48621918-C-A.
Identifiers: ClinVar variation 3722678 (VCV003722678.2).
Genomic context (GRCh38, chr3:48,584,485, plus strand): 5'-GCCCCCCTCGTGTTGGTCCCCCCACTACACATCACTTGCCTCCACATACCCTGCACTTAC[C>A]GATGGTCCAGGGTCCCCTTTCCGCCCAGGAAGCCCAGGTCCTTCACCTCCGATGACTTGT-3'
Protein context (NP_000085.1, residues 1363-1383): LPGRKGDPGP[Ser1373=]GPPGPRGPLG